The following is an entry in ClinVar:

NM_021783.5(EDA2R):c.823G>T (p.Gly275Trp)

Gene: EDA2R (ectodysplasin A2 receptor; minus strand). Cytogenetic location: Xq12.
Variant type: single nucleotide variant.
Coding change: c.823G>T on transcript NM_021783.5 (MANE Select); coding-DNA position 823, G replaced by T.
Protein change: p.Gly275Trp; replaces glycine 275 with tryptophan.
Molecular consequence: missense variant. On other transcripts: non-coding transcript variant (2), intron variant (3).
Genome position (GRCh38, 1-based): chrX:66,599,555, C>A on the plus strand (G>T on the coding strand, the complement: EDA2R is on the minus strand). VCF-style: chrX-66599555-C-A. GRCh37 (hg19) VCF-style: chrX-65819397-C-A.
Other names: c.727G>T, p.Gly243Trp (NM_001324201.2); c.829G>T, p.Gly277Trp (NM_001324206.2); c.237+214G>T (NM_001324202.2); c.312+214G>T (NM_001324205.2); c.318+214G>T (NM_001324204.2); c.823G>T, p.Gly275Trp (NM_001199687.3); c.886G>T, p.Gly296Trp (NM_001242310.1); c.451G>T, p.Gly151Trp (NM_001324199.2); short protein forms G151W, G296W, G275W, G277W, G243W.
Identifiers: ClinVar variation 2358184 (VCV002358184.27), dbSNP rs201070562, ClinGen allele CA10435978.

ClinVar aggregate classification (germline): Conflicting classifications of pathogenicity. Review status: criteria provided, conflicting classifications (1 of 4 stars). 2 submissions from 2 submitters: Uncertain significance (1); Likely benign (1). Last evaluated 2024-11-07.

Allele frequency attached by ClinVar (database versions not stated): ESP Exome Variant Server 0.00019; ExAC 0.00025.
gnomAD v4.1: 263 of 1,188,189 alleles (0.022%); highest among the groups gnomAD compares: Non-Finnish European, 0.029%; no homozygotes.

Submissions (2):

Ambry Genetics
Classification: Uncertain significance. Last evaluated: 2024-11-07. Review status: criteria provided, single submitter. Criteria: Ambry Variant Classification Scheme 2023. Collection method: clinical testing. Allele origin: germline.

CeGaT Center for Human Genetics Tuebingen
Classification: Likely benign. Last evaluated: 2022-06-01. Review status: criteria provided, single submitter. Criteria: CeGaT Center For Human Genetics Tuebingen Variant Classification Criteria Version 2. Collection method: clinical testing. Allele origin: germline. Affected: yes. Observed: 1 variant allele.
Comment: EDA2R: BP4